The following is an entry in ClinVar:

NM_017617.5(NOTCH1):c.5256C>T (p.Cys1752=)

Gene: NOTCH1 (notch receptor 1; minus strand). Cytogenetic location: 9q34.3.
Variant type: single nucleotide variant.
Coding change: c.5256C>T on transcript NM_017617.5 (MANE Select); coding-DNA position 5256, C replaced by T.
Protein change: p.Cys1752=; no amino-acid change (cysteine 1752 retained).
Molecular consequence: synonymous variant.
Genome position (GRCh38, 1-based): chr9:136,502,400, G>A on the plus strand (C>T on the coding strand, the complement: NOTCH1 is on the minus strand). VCF-style: chr9-136502400-G-A. GRCh37 (hg19) VCF-style: chr9-139396852-G-A.
Identifiers: ClinVar variation 2038086 (VCV002038086.20), dbSNP rs770333134, ClinGen allele CA5340345.

ClinVar aggregate classification (germline): Likely benign. Review status: criteria provided, multiple submitters, no conflicts (2 of 4 stars). 3 submissions from 3 submitters: Likely benign (3). Last evaluated 2025-06-20.

Conditions:
Familial thoracic aortic aneurysm and aortic dissection (TAAD). Also called: Thoracic aortic aneurysms and dissections. Identifiers: Orphanet 91387, MedGen C4707243, MONDO:0019625.
Adams-Oliver syndrome 5 (AOS5). Identifiers: Orphanet 974, MedGen C4014970, MONDO:0014459, OMIM 616028.

Allele frequency attached by ClinVar (database versions not stated): TOPMed below 0.00001; ExAC 0.00002; gnomAD exomes 0.00002; 1000 Genomes Project 30x 0.00016.
gnomAD v4.1: 27 of 1,611,700 alleles (0.0017%); highest among the groups gnomAD compares: Middle Eastern, 0.066%; no homozygotes.

Submissions (3):

Labcorp Genetics (formerly Invitae), Labcorp
Classification: Likely benign for Adams-Oliver syndrome 5. Last evaluated: 2025-06-20. Review status: criteria provided, single submitter. Criteria: Invitae Variant Classification Sherloc (09022015). Collection method: clinical testing. Allele origin: germline.

CeGaT Center for Human Genetics Tuebingen
Classification: Likely benign. Last evaluated: 2024-10-01. Review status: criteria provided, single submitter. Criteria: CeGaT Center For Human Genetics Tuebingen Variant Classification Criteria Version 2. Collection method: clinical testing. Allele origin: germline. Affected: yes. Observed: 1 variant allele.
Comment: NOTCH1: BP4, BP7

Ambry Genetics
Classification: Likely benign for Familial thoracic aortic aneurysm and aortic dissection. Last evaluated: 2023-03-07. Review status: criteria provided, single submitter. Criteria: Ambry Variant Classification Scheme 2023. Collection method: clinical testing. Allele origin: germline.